The following is an entry in ClinVar:

NM_000256.3(MYBPC3):c.3285G>C (p.Thr1095=)

Gene: MYBPC3 (myosin binding protein C3; minus strand). Cytogenetic location: 11p11.2.
Variant type: single nucleotide variant.
Coding change: c.3285G>C on transcript NM_000256.3 (MANE Select); coding-DNA position 3285, G replaced by C.
Protein change: p.Thr1095=; no amino-acid change (threonine 1095 retained).
Molecular consequence: synonymous variant.
Genome position (GRCh38, 1-based): chr11:47,333,239, C>G on the plus strand (G>C on the coding strand, the complement: MYBPC3 is on the minus strand). VCF-style: chr11-47333239-C-G. GRCh37 (hg19) VCF-style: chr11-47354790-C-G.
Identifiers: ClinVar variation 42699 (VCV000042699.17), dbSNP rs367927327, ClinGen allele CA013787.

ClinVar aggregate classification (germline): Likely benign. Review status: criteria provided, multiple submitters, no conflicts (2 of 4 stars). 5 submissions from 5 submitters: Likely benign (5). Last evaluated 2026-08-08.

Conditions:
Cardiovascular phenotype. Identifiers: MedGen CN230736.
Cardiomyopathy (CMYO). Also called: Cardiomyopathies. Identifiers: Orphanet 167848, MedGen C0878544, MONDO:0004994, HP:0001638. Inheritance: Various modes of inheritance.
Hypertrophic cardiomyopathy. Also called: HYPERTROPHIC MYOCARDIOPATHY. Identifiers: Orphanet 217569, MedGen C0007194, MeSH D002312, MONDO:0005045, HP:0001639.

Allele frequency attached by ClinVar (database versions not stated): TOPMed 0.00001.
gnomAD v4.1: 8 of 1,588,842 alleles (0.0005%); highest among the groups gnomAD compares: Admixed American, 0.014%; no homozygotes.

Submissions (5):

Ambry Genetics
Classification: Likely benign for Cardiovascular phenotype. Last evaluated: 2026-08-08. Review status: criteria provided, single submitter. Criteria: Ambry Variant Classification Scheme 2023. Collection method: clinical testing. Allele origin: germline.

Labcorp Genetics (formerly Invitae), Labcorp
Classification: Likely benign for Hypertrophic cardiomyopathy. Last evaluated: 2025-12-20. Review status: criteria provided, single submitter. Criteria: Invitae Variant Classification Sherloc (09022015). Collection method: clinical testing. Allele origin: germline.

All of Us Research Program, National Institutes of Health
Classification: Likely benign for Hypertrophic cardiomyopathy. Last evaluated: 2023-08-15. Review status: criteria provided, single submitter. Criteria: ACMG Guidelines, 2015. Collection method: clinical testing. Allele origin: germline. Inheritance: Autosomal dominant inheritance. Observed: 4 variant alleles, 4 heterozygotes.
Comment: This study involves interpretation of variants in research participants for the purpose of population health screening. Participant phenotype was not available at the time of variant classification. Additional details can be found in publication PMID: 35346344, PMCID: PMC8962531

Color Diagnostics, LLC DBA Color Health
Classification: Likely benign for Cardiomyopathy. Last evaluated: 2022-07-25. Review status: criteria provided, single submitter. Criteria: ACMG Guidelines, 2015. Collection method: clinical testing. Allele origin: germline.

Laboratory for Molecular Medicine, Mass General Brigham Personalized Medicine
Classification: Likely benign. Last evaluated: 2010-11-15. Review status: criteria provided, single submitter. Criteria: LMM Criteria. Collection method: clinical testing. Allele origin: germline. Observed: 1 variant allele.
Comment: This variant is not expected to have clinical significance because it does not a lter an amino acid residue and is not located near a splice junction. Therefore, it is unlikely that this variant is disease-causing.